The following is an entry in ClinVar:

ClinVar aggregate classification (germline): Uncertain significance (1 of 4 stars; one submission).

Submission:

GeneDx
Classification: Uncertain significance. Last evaluated: 2024-11-06. Review status: criteria provided, single submitter. Criteria: GeneDx Variant Classification Process June 2021. Collection method: clinical testing. Allele origin: germline. Affected: yes.
Comment: Not observed at significant frequency in large population cohorts (gnomAD); In silico analysis supports that this missense variant has a deleterious effect on protein structure/function; Has not been previously published as pathogenic or benign to our knowledge

NM_000334.4(SCN4A):c.4846G>T (p.Asp1616Tyr)

Genes: GH-LCR (growth hormone locus control region; plus strand), SCN4A (sodium voltage-gated channel alpha subunit 4; minus strand). Cytogenetic location: 17q23.3.
Variant type: single nucleotide variant.
Coding change: c.4846G>T on transcript NM_000334.4 (MANE Select); coding-DNA position 4846, G replaced by T.
Protein change: p.Asp1616Tyr; replaces aspartic acid 1616 with tyrosine.
Molecular consequence: missense variant.
Genome position (GRCh38, 1-based): chr17:63,941,436, C>A on the plus strand (G>T on the coding strand, the complement: SCN4A is on the minus strand). VCF-style: chr17-63941436-C-A. GRCh37 (hg19) VCF-style: chr17-62018796-C-A.
Other names: short protein forms D1616Y.
Identifiers: ClinVar variation 3899066 (VCV003899066.1).
Genomic context (GRCh38, chr17:63,941,436, plus strand): 5'-CGATGAACTGGGTGGCGTCGGGGTCGAACTTCTCCCATGTCTCGTAGAACATCTCAAAGT[C>A]ATCTTCACCAAGGGGCTCGCTGCTCTCCTCTGTGGCCACATTGAAGTTCTCCAGGATGAT-3'
Protein context (NP_000325.4, residues 1606-1626): EESSEPLGED[Asp1616Tyr]FEMFYETWEK